The following is an entry in ClinVar:

NM_001609.4(ACADSB):c.*2G>A

Gene: ACADSB (acyl-CoA dehydrogenase short/branched chain; plus strand). Cytogenetic location: 10q26.13.
Variant type: single nucleotide variant.
Coding change: c.*2G>A on transcript NM_001609.4 (MANE Select); 2 bases downstream of the stop codon, G replaced by A.
Molecular consequence: 3 prime UTR variant.
Genome position (GRCh38, 1-based): chr10:123,053,767, G>A. VCF-style: chr10-123053767-G-A. GRCh37 (hg19) VCF-style: chr10-124813283-G-A.
Other names: c.*2G>A (NM_001330174.3).
Identifiers: ClinVar variation 3044035 (VCV003044035.2), dbSNP rs754175359, ClinGen allele CA5730994.

ClinVar aggregate classification (germline): Likely benign (0 of 4 stars; one submission).

Conditions:
ACADSB-related disorder. Also called: ACADSB-related condition.

Allele frequency attached by ClinVar (database versions not stated): gnomAD 0.00001; ExAC 0.00002; TOPMed 0.00002.
gnomAD v4.1: 30 of 1,612,684 alleles (0.0019%); highest among the groups gnomAD compares: Middle Eastern, 0.016%; no homozygotes.

Submission:

PreventionGenetics, part of Exact Sciences
Classification: Likely benign for ACADSB-related condition. Last evaluated: 2019-06-05. Review status: no assertion criteria provided. Collection method: clinical testing. Allele origin: germline.
Comment: This variant is classified as likely benign based on ACMG/AMP sequence variant interpretation guidelines (Richards et al. 2015 PMID: 25741868, with internal and published modifications).